The following is an entry in ClinVar:

NM_017534.6(MYH2):c.2068A>G (p.Met690Val)

Genes: MYH2 (myosin heavy chain 2; minus strand), MYHAS (myosin heavy chain gene cluster antisense RNA; plus strand). Cytogenetic location: 17p13.1.
Variant type: single nucleotide variant.
Coding change: c.2068A>G on transcript NM_017534.6 (MANE Select); coding-DNA position 2068, A replaced by G.
Protein change: p.Met690Val; replaces methionine 690 with valine.
Molecular consequence: missense variant.
Genome position (GRCh38, 1-based): chr17:10,535,185, T>C on the plus strand (A>G on the coding strand, the complement: MYH2 is on the minus strand). VCF-style: chr17-10535185-T-C. GRCh37 (hg19) VCF-style: chr17-10438502-T-C.
Other names: c.2068A>G, p.Met690Val (NM_001100112.2); short protein forms M690V.
Identifiers: ClinVar variation 1391230 (VCV001391230.8), dbSNP rs375334939, ClinGen allele CA8391217.
Genomic context (GRCh38, chr17:10,535,185, plus strand): 5'-TGCGGATGCCTTCCAGCACACCGTTACACCTCAGCTGGTGGAGGACAAGCTCATGCTCCA[T>C]GGCACCTAAAAATGCATATTTATTTCACTGCAGAGCTGTTGAAAAGGAGGTGTGGCAGTC-3'
Protein context (NP_060004.3, residues 680-700): IPNETKTPGA[Met690Val]EHELVLHQLR

ClinVar aggregate classification (germline): Uncertain significance (1 of 4 stars; one submission).

Conditions:
Myopathy, proximal, and ophthalmoplegia (CMYO6). Also called: INCLUSION BODY MYOPATHY 3, AUTOSOMAL DOMINANT; CONGENITAL MYOPATHY 6 WITH OPHTHALMOPLEGIA; MYOPATHY WITH CONGENITAL JOINT CONTRACTURES, OPHTHALMOPLEGIA, AND RIMMED VACUOLES. Identifiers: Orphanet 363677, Orphanet 79091, MedGen C1854106, MONDO:0011577, OMIM 605637.

Allele frequency attached by ClinVar (database versions not stated): gnomAD exomes 0.00001; ExAC 0.00002; TOPMed 0.00002; gnomAD 0.00003 and 0.00004; ESP Exome Variant Server 0.00008.
gnomAD v4.1: 17 of 1,614,016 alleles (0.0011%); highest among the groups gnomAD compares: Non-Finnish European, 0.0014%; no homozygotes.

Submission:

Labcorp Genetics (formerly Invitae), Labcorp
Classification: Uncertain significance for Myopathy, proximal, and ophthalmoplegia. Last evaluated: 2024-10-16. Review status: criteria provided, single submitter. Criteria: Invitae Variant Classification Sherloc (09022015). Collection method: clinical testing. Allele origin: germline.
Comment: This sequence change replaces methionine, which is neutral and non-polar, with valine, which is neutral and non-polar, at codon 690 of the MYH2 protein (p.Met690Val). This variant is present in population databases (rs375334939, gnomAD 0.004%). This variant has not been reported in the literature in individuals affected with MYH2-related conditions. ClinVar contains an entry for this variant (Variation ID: 1391230). Invitae Evidence Modeling of protein sequence and biophysical properties (such as structural, functional, and spatial information, amino acid conservation, physicochemical variation, residue mobility, and thermodynamic stability) indicates that this missense variant is not expected to disrupt MYH2 protein function with a negative predictive value of 80%. In summary, the available evidence is currently insufficient to determine the role of this variant in disease. Therefore, it has been classified as a Variant of Uncertain Significance.